The following is an entry in ClinVar:

ClinVar aggregate classification (germline): Uncertain significance. Review status: criteria provided, multiple submitters, no conflicts (2 of 4 stars). 3 submissions from 3 submitters: Uncertain significance (3). Last evaluated 2025-07-27.

Conditions:
T-B+ severe combined immunodeficiency due to JAK3 deficiency. Also called: SCID, T CELL-NEGATIVE, B CELL-POSITIVE, NK CELL-NEGATIVE; SCID, autosomal recessive, T-negative/B-positive type. Identifiers: Orphanet 35078, MedGen C1833275, MONDO:0010938, OMIM 600802.

Allele frequency attached by ClinVar (database versions not stated): TOPMed 0.00001.

Submissions (3):

Labcorp Genetics (formerly Invitae), Labcorp
Classification: Uncertain significance for T-B+ severe combined immunodeficiency due to JAK3 deficiency. Last evaluated: 2025-07-27. Review status: criteria provided, single submitter. Criteria: Invitae Variant Classification Sherloc (09022015). Collection method: clinical testing. Allele origin: germline.
Comment: This sequence change replaces methionine, which is neutral and non-polar, with leucine, which is neutral and non-polar, at codon 1097 of the JAK3 protein (p.Met1097Leu). This variant is not present in population databases (gnomAD no frequency). This variant has not been reported in the literature in individuals affected with JAK3-related conditions. ClinVar contains an entry for this variant (Variation ID: 892391). Invitae Evidence Modeling of protein sequence and biophysical properties (such as structural, functional, and spatial information, amino acid conservation, physicochemical variation, residue mobility, and thermodynamic stability) indicates that this missense variant is not expected to disrupt JAK3 protein function with a negative predictive value of 95%. In summary, the available evidence is currently insufficient to determine the role of this variant in disease. Therefore, it has been classified as a Variant of Uncertain Significance.

Blueprint Genetics
Classification: Uncertain significance. Last evaluated: 2024-04-30. Review status: criteria provided, single submitter. Criteria: ACMG Guidelines, 2015. Collection method: clinical testing. Allele origin: germline.

Illumina Laboratory Services, Illumina
Classification: Uncertain significance for T-B+ severe combined immunodeficiency due to JAK3 deficiency. Last evaluated: 2018-01-13. Review status: criteria provided, single submitter. Criteria: ICSL Variant Classification Criteria 13 December 2019. Collection method: clinical testing. Allele origin: germline.

NM_000215.4(JAK3):c.3289A>T (p.Met1097Leu)

Gene: JAK3 (Janus kinase 3; minus strand). Cytogenetic location: 19p13.11.
Variant type: single nucleotide variant.
Coding change: c.3289A>T on transcript NM_000215.4 (MANE Select); coding-DNA position 3289, A replaced by T.
Protein change: p.Met1097Leu; replaces methionine 1097 with leucine.
Molecular consequence: missense variant.
Genome position (GRCh38, 1-based): chr19:17,826,829, T>A on the plus strand (A>T on the coding strand, the complement: JAK3 is on the minus strand). VCF-style: chr19-17826829-T-A. GRCh37 (hg19) VCF-style: chr19-17937638-T-A.
Other names: short protein forms M1097L.
Identifiers: ClinVar variation 892391 (VCV000892391.7), dbSNP rs201301192, ClinGen allele CA306119638.